The following is an entry in ClinVar:

NM_016507.4(CDK12):c.356C>T (p.Ser119Phe)

Genes: CDK12 (cyclin dependent kinase 12; plus strand), LOC126862553 (CDK7 strongly-dependent group 2 enhancer GRCh37_chr17:37618166-37619365; plus strand). Cytogenetic location: 17q12.
Variant type: single nucleotide variant.
Coding change: c.356C>T on transcript NM_016507.4 (MANE Select); coding-DNA position 356, C replaced by T.
Protein change: p.Ser119Phe; replaces serine 119 with phenylalanine.
Molecular consequence: missense variant.
Genome position (GRCh38, 1-based): chr17:39,462,427, C>T. VCF-style: chr17-39462427-C-T. GRCh37 (hg19) VCF-style: chr17-37618680-C-T.
Other names: c.356C>T, p.Ser119Phe (NM_015083.4); short protein forms S119F.
Identifiers: ClinVar variation 5034122 (VCV005034122.1).

ClinVar aggregate classification (germline): Uncertain significance (1 of 4 stars; one submission).

Submission:

Ambry Genetics
Classification: Uncertain significance. Last evaluated: 2026-07-28. Review status: criteria provided, single submitter. Criteria: Ambry Variant Classification Scheme 2023. Collection method: clinical testing. Allele origin: germline.
Comment: The p.S119F variant (also known as c.356C>T), located in coding exon 1 of the CDK12 gene, results from a C to T substitution at nucleotide position 356. The serine at codon 119 is replaced by phenylalanine, an amino acid with highly dissimilar properties. This amino acid position is conserved. In addition, this alteration is predicted to be tolerated by in silico analysis. Based on the available evidence, the clinical significance of this variant remains unclear.